The following is an entry in ClinVar:

NM_000238.4(KCNH2):c.2245G>T (p.Gly749Cys)

Gene: KCNH2 (potassium voltage-gated channel subfamily H member 2; minus strand). Cytogenetic location: 7q36.1.
Variant type: single nucleotide variant.
Coding change: c.2245G>T on transcript NM_000238.4 (MANE Select); coding-DNA position 2245, G replaced by T.
Protein change: p.Gly749Cys; replaces glycine 749 with cysteine.
Molecular consequence: missense variant.
Genome position (GRCh38, 1-based): chr7:150,950,321, C>A on the plus strand (G>T on the coding strand, the complement: KCNH2 is on the minus strand). VCF-style: chr7-150950321-C-A. GRCh37 (hg19) VCF-style: chr7-150647409-C-A.
Other names: c.1225G>T, p.Gly409Cys (NM_001204798.2, NM_172057.3); c.1957G>T, p.Gly653Cys (NM_001406753.1, NM_001406756.1); c.2068G>T, p.Gly690Cys (NM_001406755.1); c.1945G>T, p.Gly649Cys (NM_001406757.1); c.2245G>T, p.Gly749Cys (NM_172056.3); short protein forms G409C, G749C, G649C, G653C, G690C.
Identifiers: ClinVar variation 405350 (VCV000405350.9), dbSNP rs1060500668, ClinGen allele CA16612302.

ClinVar aggregate classification (germline): Uncertain significance (1 of 4 stars; one submission).

Conditions:
Long QT syndrome (LQTS). Identifiers: MedGen C0023976, MeSH D008133, MONDO:0002442. Disease mechanism: loss of function. Inheritance: Various modes of inheritance.

Allele frequency attached by ClinVar (database versions not stated): gnomAD exomes below 0.00001; TOPMed below 0.00001; gnomAD 0.00001.
gnomAD v4.1: 4 of 1,613,586 alleles (0.00025%); highest among the groups gnomAD compares: Non-Finnish European, 0.00034%; no homozygotes.

Submission:

Labcorp Genetics (formerly Invitae), Labcorp
Classification: Uncertain significance for Long QT syndrome. Last evaluated: 2017-06-24. Review status: criteria provided, single submitter. Criteria: Invitae Variant Classification Sherloc (09022015). Collection method: clinical testing. Allele origin: germline.
Comment: In summary, this variant is a novel missense change with uncertain impact on protein function. It has been classified as a Variant of Uncertain Significance. Algorithms developed to predict the effect of missense changes on protein structure and function do not agree on the potential impact of this missense change (SIFT: "Deleterious"; PolyPhen-2: "Probably Damaging"; Align-GVGD: "Class C0"). This variant is not present in population databases (ExAC no frequency) and has not been reported in the literature in individuals with a KCNH2-related disease. This sequence change replaces glycine with cysteine at codon 749 of the KCNH2 protein (p.Gly749Cys). The glycine residue is highly conserved and there is a large physicochemical difference between glycine and cysteine.